The following is an entry in ClinVar:

ClinVar aggregate classification (germline): Uncertain significance (1 of 4 stars; one submission).

Conditions:
Inborn genetic diseases. Identifiers: MedGen C0950123, MeSH D030342.

Submission:

Ambry Genetics
Classification: Uncertain significance for Inborn genetic diseases. Last evaluated: 2026-04-06. Review status: criteria provided, single submitter. Criteria: Ambry Variant Classification Scheme 2023. Collection method: clinical testing. Allele origin: germline.
Comment: The p.D1223H variant (also known as c.3667G>C), located in coding exon 37 of the FANCA gene, results from a G to C substitution at nucleotide position 3667. The aspartic acid at codon 1223 is replaced by histidine, an amino acid with similar properties. This amino acid position is conserved. In addition, this alteration is predicted to be tolerated by in silico analysis. Based on the available evidence, the clinical significance of this variant remains unclear.

NM_000135.4(FANCA):c.3667G>C (p.Asp1223His)

Gene: FANCA (FA complementation group A; minus strand). Cytogenetic location: 16q24.3.
Variant type: single nucleotide variant.
Coding change: c.3667G>C on transcript NM_000135.4 (MANE Select); coding-DNA position 3667, G replaced by C.
Protein change: p.Asp1223His; replaces aspartic acid 1223 with histidine.
Molecular consequence: missense variant.
Genome position (GRCh38, 1-based): chr16:89,742,898, C>G on the plus strand (G>C on the coding strand, the complement: FANCA is on the minus strand). VCF-style: chr16-89742898-C-G. GRCh37 (hg19) VCF-style: chr16-89809306-C-G.
Other names: c.3667G>C, p.Asp1223His (NM_001286167.3); short protein forms D1223H.
Identifiers: ClinVar variation 4870822 (VCV004870822.1).